The following is an entry in ClinVar:

NM_018979.4(WNK1):c.2278T>G (p.Ser760Ala)

Gene: WNK1 (WNK lysine deficient protein kinase 1; plus strand). Cytogenetic location: 12p13.33.
Variant type: single nucleotide variant.
Coding change: c.2278T>G on transcript NM_018979.4 (MANE Select); coding-DNA position 2278, T replaced by G.
Protein change: p.Ser760Ala; replaces serine 760 with alanine.
Molecular consequence: missense variant.
Genome position (GRCh38, 1-based): chr12:878,266, T>G. VCF-style: chr12-878266-T-G. GRCh37 (hg19) VCF-style: chr12-987432-T-G.
Other names: c.3517T>G, p.Ser1173Ala (NM_001184985.2); c.2275T>G, p.Ser759Ala (NM_014823.3); c.3772T>G, p.Ser1258Ala (NM_213655.5); short protein forms S1173A, S1258A, S759A, S760A.
Identifiers: ClinVar variation 3753835 (VCV003753835.2).

ClinVar aggregate classification (germline): Uncertain significance (1 of 4 stars; one submission).

Conditions:
Neuropathy, hereditary sensory and autonomic, type 2A (HSAN2A). Also called: ACROOSTEOLYSIS, GIACCAI TYPE; ACROOSTEOLYSIS, NEUROGENIC; MORVAN DISEASE; NEUROPATHY, CONGENITAL SENSORY; NEUROPATHY, HEREDITARY SENSORY RADICULAR, AUTOSOMAL RECESSIVE; NEUROPATHY, HEREDITARY SENSORY, TYPE IIA. Identifiers: Orphanet 970, MedGen C2752089, MONDO:0024309, OMIM 201300.
Pseudohypoaldosteronism type 2C (PHA2C). Also called: Pseudohypoaldosteronism Type IIC. Identifiers: Orphanet 757, Orphanet 88940, MedGen C1840391, MONDO:0013778, OMIM 614492.

Submission:

Labcorp Genetics (formerly Invitae), Labcorp
Classification: Uncertain significance for Neuropathy, hereditary sensory and autonomic, type 2A; Pseudohypoaldosteronism type 2C. Last evaluated: 2024-05-06. Review status: criteria provided, single submitter. Criteria: Invitae Variant Classification Sherloc (09022015). Collection method: clinical testing. Allele origin: germline.
Comment: This sequence change replaces serine, which is neutral and polar, with alanine, which is neutral and non-polar, at codon 1258 of the WNK1 protein (p.Ser1258Ala). This variant is not present in population databases (gnomAD no frequency). This variant has not been reported in the literature in individuals affected with WNK1-related conditions. Advanced modeling of protein sequence and biophysical properties (such as structural, functional, and spatial information, amino acid conservation, physicochemical variation, residue mobility, and thermodynamic stability) performed at Invitae indicates that this missense variant is not expected to disrupt WNK1 protein function with a negative predictive value of 95%. In summary, the available evidence is currently insufficient to determine the role of this variant in disease. Therefore, it has been classified as a Variant of Uncertain Significance.